The following is an entry in ClinVar:

NM_004278.4(PIGL):c.607C>G (p.His203Asp)

Gene: PIGL (phosphatidylinositol glycan anchor biosynthesis class L; plus strand). Cytogenetic location: 17p11.2.
Variant type: single nucleotide variant.
Coding change: c.607C>G on transcript NM_004278.4 (MANE Select); coding-DNA position 607, C replaced by G.
Protein change: p.His203Asp; replaces histidine 203 with aspartic acid.
Molecular consequence: missense variant. On other transcripts: nonsense (1).
Genome position (GRCh38, 1-based): chr17:16,317,855, C>G. VCF-style: chr17-16317855-C-G. GRCh37 (hg19) VCF-style: chr17-16221169-C-G.
Other names: c.575C>G, p.Ser192Ter (NM_001411072.1); c.607C>G (NM_004278.3); short protein forms S192*, H203D.
Identifiers: ClinVar variation 1909938 (VCV001909938.3), dbSNP rs142343997, ClinGen allele CA8409998.

ClinVar aggregate classification (germline): Uncertain significance. Review status: criteria provided, multiple submitters, no conflicts (2 of 4 stars). 2 submissions from 2 submitters: Uncertain significance (2). Last evaluated 2025-09-24.

Conditions:
Inborn genetic diseases. Identifiers: MedGen C0950123, MeSH D030342.

Allele frequency attached by ClinVar (database versions not stated): gnomAD 0.00011; TOPMed 0.00018; ExAC 0.00010; ESP Exome Variant Server 0.00031.
gnomAD v4.1: 39 of 1,614,020 alleles (0.0024%); highest among the groups gnomAD compares: African/African-American, 0.04%; no homozygotes.

Submissions (2):

Ambry Genetics
Classification: Uncertain significance for Inborn genetic diseases. Last evaluated: 2025-09-24. Review status: criteria provided, single submitter. Criteria: Ambry Variant Classification Scheme 2023. Collection method: clinical testing. Allele origin: germline.

Labcorp Genetics (formerly Invitae), Labcorp
Classification: Uncertain significance. Last evaluated: 2022-08-31. Review status: criteria provided, single submitter. Criteria: Invitae Variant Classification Sherloc (09022015). Collection method: clinical testing. Allele origin: germline.
Comment: This sequence change replaces histidine, which is basic and polar, with aspartic acid, which is acidic and polar, at codon 203 of the PIGL protein (p.His203Asp). This variant is present in population databases (rs142343997, gnomAD 0.05%). This variant has not been reported in the literature in individuals affected with PIGL-related conditions. Algorithms developed to predict the effect of missense changes on protein structure and function (SIFT, PolyPhen-2, Align-GVGD) all suggest that this variant is likely to be tolerated. In summary, the available evidence is currently insufficient to determine the role of this variant in disease. Therefore, it has been classified as a Variant of Uncertain Significance.